The following is an entry in ClinVar:

NM_024529.5(CDC73):c.741G>C (p.Lys247Asn)

Gene: CDC73 (cell division cycle 73; plus strand). Cytogenetic location: 1q31.2.
Variant type: single nucleotide variant.
Coding change: c.741G>C on transcript NM_024529.5 (MANE Select); coding-DNA position 741, G replaced by C.
Protein change: p.Lys247Asn; replaces lysine 247 with asparagine.
Molecular consequence: missense variant.
Genome position (GRCh38, 1-based): chr1:193,147,878, G>C. VCF-style: chr1-193147878-G-C. GRCh37 (hg19) VCF-style: chr1-193117008-G-C.
Other names: short protein forms K247N.
Identifiers: ClinVar variation 3488521 (VCV003488521.1).

ClinVar aggregate classification (germline): Uncertain significance (1 of 4 stars; one submission).

Conditions:
Hereditary cancer-predisposing syndrome. Also called: Tumor predisposition; Neoplastic Syndromes, Hereditary; Hereditary Cancer Syndrome; Hereditary neoplastic syndrome. Identifiers: Orphanet 140162, MedGen C0027672, MeSH D009386, MONDO:0015356.

Submission:

Ambry Genetics
Classification: Uncertain significance for Hereditary cancer-predisposing syndrome. Last evaluated: 2024-10-05. Review status: criteria provided, single submitter. Criteria: Ambry Variant Classification Scheme 2023. Collection method: clinical testing. Allele origin: germline.
Comment: The p.K247N variant (also known as c.741G>C), located in coding exon 8 of the CDC73 gene, results from a G to C substitution at nucleotide position 741. The lysine at codon 247 is replaced by asparagine, an amino acid with similar properties. This amino acid position is conserved. In addition, this alteration is predicted to be tolerated by in silico analysis. Based on the available evidence, the clinical significance of this variant remains unclear.